The following is an entry in ClinVar:

NM_004336.5(BUB1):c.226-3T>C

Gene: BUB1 (BUB1 mitotic checkpoint serine/threonine kinase; minus strand). Cytogenetic location: 2q13.
Variant type: single nucleotide variant.
Coding change: c.226-3T>C on transcript NM_004336.5 (MANE Select); 3 bases into the intron before coding-DNA position 226, T replaced by C.
Molecular consequence: intron variant.
Genome position (GRCh38, 1-based): chr2:110,672,860, A>G on the plus strand (T>C on the coding strand, the complement: BUB1 is on the minus strand). VCF-style: chr2-110672860-A-G. GRCh37 (hg19) VCF-style: chr2-111430437-A-G.
Other names: c.166-3T>C (NM_001278616.2); c.226-3T>C (NM_001278617.2).
Identifiers: ClinVar variation 3633155 (VCV003633155.2).

ClinVar aggregate classification (germline): Uncertain significance (1 of 4 stars; one submission).

gnomAD v4.1: 2 of 1,576,672 alleles (0.00013%); highest among the groups gnomAD compares: Admixed American, 0.0038%; no homozygotes.

Submission:

Labcorp Genetics (formerly Invitae), Labcorp
Classification: Uncertain significance. Last evaluated: 2024-03-09. Review status: criteria provided, single submitter. Criteria: Invitae Variant Classification Sherloc (09022015). Collection method: clinical testing. Allele origin: germline.
Comment: This sequence change falls in intron 3 of the BUB1 gene. It does not directly change the encoded amino acid sequence of the BUB1 protein. It affects a nucleotide within the consensus splice site. This variant is present in population databases (no rsID available, gnomAD 0.004%). This variant has not been reported in the literature in individuals affected with BUB1-related conditions. Variants that disrupt the consensus splice site are a relatively common cause of aberrant splicing (PMID: 17576681, 9536098). Algorithms developed to predict the effect of sequence changes on RNA splicing suggest that this variant is not likely to affect RNA splicing. In summary, the available evidence is currently insufficient to determine the role of this variant in disease. Therefore, it has been classified as a Variant of Uncertain Significance.

Literature cited by the submitters: PubMed 17576681; PubMed 9536098.